The following is an entry in ClinVar:

ClinVar aggregate classification (germline): Likely benign. Review status: criteria provided, multiple submitters, no conflicts (2 of 4 stars). 4 submissions from 4 submitters: Likely benign (3). 1 of the submissions does not count toward it. Last evaluated 2025-12-26.

Conditions:
G6PD-related disorder. Also called: G6PD-related condition.
Anemia, nonspherocytic hemolytic, due to G6PD deficiency (CNSHA1). Also called: ANEMIA, CONGENITAL, NONSPHEROCYTIC HEMOLYTIC, 1; Class I glucose-6-phosphate dehydrogenase deficiency; Favism, susceptibility to; Hemolytic anemia due to G6PD deficiency. Identifiers: Orphanet 466026, MedGen C2720289, MONDO:0010480, OMIM 300908.

Allele frequency attached by ClinVar (database versions not stated): ExAC 0.00006; ESP Exome Variant Server 0.00009; gnomAD exomes 0.00009 and 0.00011; TOPMed 0.00009; gnomAD 0.00010.

Submissions (4):

Labcorp Genetics (formerly Invitae), Labcorp
Classification: Likely benign for Anemia, nonspherocytic hemolytic, due to G6PD deficiency. Last evaluated: 2025-12-26. Review status: criteria provided, single submitter. Criteria: Invitae Variant Classification Sherloc (09022015). Collection method: clinical testing. Allele origin: germline.

ARUP Laboratories, Molecular Genetics and Genomics, ARUP Laboratories
Classification: Likely benign. Last evaluated: 2023-06-28. Review status: criteria provided, single submitter. Criteria: ARUP Molecular Germline Variant Investigation Process 2024. Collection method: clinical testing. Allele origin: germline.

Blueprint Genetics
Classification: Likely benign. Last evaluated: 2023-04-27. Review status: criteria provided, single submitter. Criteria: ACMG Guidelines, 2015. Collection method: clinical testing. Allele origin: germline.

PreventionGenetics, part of Exact Sciences
Classification: Likely benign for G6PD-related condition. Last evaluated: 2020-04-13. Review status: no assertion criteria provided. Collection method: clinical testing. Allele origin: germline. Not counted in ClinVar's aggregate classification.
Comment: This variant is classified as likely benign based on ACMG/AMP sequence variant interpretation guidelines (Richards et al. 2015 PMID: 25741868, with internal and published modifications).

NM_001360016.2(G6PD):c.957C>T (p.Thr319=)

Gene: G6PD (glucose-6-phosphate dehydrogenase; minus strand). Cytogenetic location: Xq28.
Variant type: single nucleotide variant.
Coding change: c.957C>T on transcript NM_001360016.2 (MANE Select); coding-DNA position 957, C replaced by T.
Protein change: p.Thr319=; no amino-acid change (threonine 319 retained).
Molecular consequence: synonymous variant.
Genome position (GRCh38, 1-based): chrX:154,533,036, G>A on the plus strand (C>T on the coding strand, the complement: G6PD is on the minus strand). VCF-style: chrX-154533036-G-A. GRCh37 (hg19) VCF-style: chrX-153761251-G-A.
Other names: c.1047C>T, p.Thr349= (NM_000402.4); c.957C>T, p.Thr319= (NM_001042351.3); c.957C>T (NM_001042351.2).
Identifiers: ClinVar variation 1081806 (VCV001081806.12), dbSNP rs199702562, ClinGen allele CA10566106.
Genomic context (GRCh38, chrX:154,533,036, plus strand): 5'-GGCTGCAAAAGTGGCGGTGGTGGACCCGCGGGGCACCGTGGGGTCGTCCAGGTACCCTTT[G>A]GTGGCCTCGCCCTCTCCATCGGGGTTCCCCACGTACTGGCCCAGGACCACATTGTTGGCC-3'
Protein context (NP_001346945.1, residues 309-329): VGNPDGEGEA[Thr319=]KGYLDDPTVP